The following is an entry in ClinVar:

NM_000016.6(ACADM):c.794_803delinsTTTAA (p.Gly265_Ala268delinsValTer)

Gene: ACADM (acyl-CoA dehydrogenase medium chain; plus strand). Cytogenetic location: 1p31.1.
Variant type: Indel.
Coding change: c.794_803delinsTTTAA on transcript NM_000016.6 (MANE Select); coding-DNA positions 794 to 803, GTGACGGAGC replaced by TTTAA.
Protein change: p.Gly265_Ala268delinsValTer.
Molecular consequence: nonsense.
Genome position (GRCh38, 1-based): chr1:75,749,504-75,749,513, GTGACGGAGC replaced by TTTAA. VCF-style: chr1-75749504-GTGACGGAGC-TTTAA. GRCh37 (hg19) VCF-style: chr1-76215189-GTGACGGAGC-TTTAA.
Other names: c.806_815delinsTTTAA, p.Gly269_Ala272delinsValTer (NM_001127328.3); c.686_695delinsTTTAA, p.Gly229_Ala232delinsValTer (NM_001286042.2); c.893_902delinsTTTAA, p.Gly298_Ala301delinsValTer (NM_001286043.2); c.227_236delinsTTTAA, p.Gly76_Ala79delinsValTer (NM_001286044.2); c.794_803delGTGACGGAGCinsTTTAA (NM_000016.5).
Identifiers: ClinVar variation 569821 (VCV000569821.7), dbSNP rs1557457623, ClinGen allele CA891842449.
Genomic context (GRCh38, chr1:75,749,504, plus strand): 5'-CAGATACTAGAGGAATTGTCTTCGAAGATGTGAAAGTGCCTAAAGAAAATGTTTTAATTG[GTGACGGAGC>TTTAA]TGGTTTCAAAGTTGCAATGGGAGCTTTTGATAAAACCAGACCTGTAGTAAGTAATATGGG-3'

ClinVar aggregate classification (germline): Pathogenic. Review status: criteria provided, multiple submitters, no conflicts (2 of 4 stars). 4 submissions from 4 submitters: Pathogenic (4). Last evaluated 2025-11-10.

Conditions:
Medium-chain acyl-coenzyme A dehydrogenase deficiency (ACADMD). Also called: MCADD; Medium chain acyl-CoA dehydrogenase deficiency; MCAD Deficiency; ACADM DEFICIENCY; MCADH DEFICIENCY; CARNITINE DEFICIENCY SECONDARY TO MEDIUM-CHAIN ACYL-CoA DEHYDROGENASE DEFICIENCY. Identifiers: Orphanet 42, MedGen C0220710, MONDO:0008721, OMIM 201450.

Submissions (4):

Natera, Inc.
Classification: Pathogenic for Medium Chain Acyl-CoA Dehydrogenase Deficiency. Last evaluated: 2025-11-10. Review status: criteria provided, single submitter. Criteria: Natera Variant Classification Schema (03/2026). Collection method: clinical testing. Allele origin: germline.
Comment: The c.794_803delGTGACGGAGCinsTTTAA variant in ACADM is a frameshift variant predicted to shift the reading frame beginning at codon 265 and leads to a stop codon 2 codons downstream. This variant is expected to result in nonsense mediated decay, truncation, or a dysfunctional protein product. This variant is rare in the general population with a frequency below the threshold expected for the associated phenotype(s). This variant has been observed in one or more individuals affected with the associated recessive disease, as either homozygous or compound heterozygous with a second variant (PMID: 20434380). Given the available evidence, this variant is classified as Pathogenic.

Baylor Genetics
Classification: Pathogenic for Medium-chain acyl-coenzyme A dehydrogenase deficiency. Last evaluated: 2024-02-12. Review status: criteria provided, single submitter. Criteria: ACMG Guidelines, 2015. Collection method: clinical testing. Allele origin: unknown.

Labcorp Genetics (formerly Invitae), Labcorp
Classification: Pathogenic for Medium-chain acyl-coenzyme A dehydrogenase deficiency. Last evaluated: 2020-08-14. Review status: criteria provided, single submitter. Criteria: Invitae Variant Classification Sherloc (09022015). Collection method: clinical testing. Allele origin: germline.
Comment: This sequence change creates a premature translational stop signal (p.Gly265Valfs*2) in the ACADM gene. It is expected to result in an absent or disrupted protein product. This variant is not present in population databases (ExAC no frequency). This variant has not been reported in the literature in individuals with ACADM-related conditions. ClinVar contains an entry for this variant (Variation ID: 569821). Loss-of-function variants in ACADM are known to be pathogenic (PMID: 16121256, 20434380). For these reasons, this variant has been classified as Pathogenic.

Quest Diagnostics Nichols Institute San Juan Capistrano
Classification: Pathogenic. Last evaluated: 2019-01-22. Review status: criteria provided, single submitter. Criteria: Quest Diagnostics criteria. Collection method: clinical testing. Allele origin: germline.
Comment: The variant results in a shift of the reading frame, and is therefore predicted to result in the loss of a functional protein. Found in at least one symptomatic patient, and not found in general population data.

Literature cited by the submitters: PubMed 20434380 (cited by Natera, Inc. and Labcorp Genetics (formerly Invitae), Labcorp); PubMed 16121256 (cited by Labcorp Genetics (formerly Invitae), Labcorp).